The following is an entry in ClinVar:

NM_000069.3(CACNA1S):c.4107C>T (p.Ala1369=)

Gene: CACNA1S (calcium voltage-gated channel subunit alpha1 S; minus strand). Cytogenetic location: 1q32.1.
Variant type: single nucleotide variant.
Coding change: c.4107C>T on transcript NM_000069.3 (MANE Select); coding-DNA position 4107, C replaced by T.
Protein change: p.Ala1369=; no amino-acid change (alanine 1369 retained).
Molecular consequence: synonymous variant.
Genome position (GRCh38, 1-based): chr1:201,050,990, G>A on the plus strand (C>T on the coding strand, the complement: CACNA1S is on the minus strand). VCF-style: chr1-201050990-G-A. GRCh37 (hg19) VCF-style: chr1-201020118-G-A.
Identifiers: ClinVar variation 3386311 (VCV003386311.2).

ClinVar aggregate classification (germline): Conflicting classifications of pathogenicity. Review status: criteria provided, conflicting classifications (1 of 4 stars). 2 submissions from 2 submitters: Uncertain significance (1); Likely benign (1). Last evaluated 2024-07-29.

Conditions:
Malignant hyperthermia, susceptibility to, 5 (MHS5). Also called: CACNA1S-Related Malignant Hyperthermia Susceptibility. Identifiers: Orphanet 423, MedGen C1866077, MONDO:0011163, OMIM 601887.
Hypokalemic periodic paralysis, type 1. Also called: Hypokalemic Periodic Paralysis Type 1 (AD); HypoPP. Identifiers: Orphanet 681, MedGen C3714580, MONDO:0042979, OMIM 170400.
Congenital myopathy 18. Also called: Myopathy, congenital, due to dihydropyridine receptor defect; DIHYDROPYRIDINE RECEPTOR CONGENITAL MYOPATHY; DHPR CONGENITAL MYOPATHY. Identifiers: MedGen C5830283, MONDO:0859514, OMIM 620246.
Thyrotoxic periodic paralysis, susceptibility to, 1 (TTPP1). Identifiers: Orphanet 79102, MedGen C2749982, MONDO:0008570, OMIM 188580.

gnomAD v4.1: 9 of 1,614,180 alleles (0.00056%); highest among the groups gnomAD compares: Non-Finnish European, 0.00076%; no homozygotes.

Submissions (2):

All of Us Research Program, National Institutes of Health
Classification: Likely benign for Malignant hyperthermia, susceptibility to, 5. Last evaluated: 2024-07-29. Review status: criteria provided, single submitter. Criteria: ACMG Guidelines, 2015. Collection method: clinical testing. Allele origin: germline. Inheritance: Autosomal dominant inheritance. Observed: 1 variant allele, 1 heterozygote.
Comment: This study involves interpretation of variants in research participants for the purpose of population health screening. Participant phenotype was not available at the time of variant classification. Additional details can be found in publication PMID: 35346344, PMCID: PMC8962531

Fulgent Genetics
Classification: Uncertain significance for Hypokalemic periodic paralysis, type 1; Thyrotoxic periodic paralysis, susceptibility to, 1; Malignant hyperthermia, susceptibility to, 5; Congenital myopathy 18. Last evaluated: 2024-03-04. Review status: criteria provided, single submitter. Criteria: ACMG Guidelines, 2015. Collection method: clinical testing. Allele origin: germline.